The following is an entry in ClinVar:

ClinVar aggregate classification (germline): Uncertain significance (1 of 4 stars; one submission).

Conditions:
Hereditary spastic paraplegia 11. Also called: SPASTIC PARAPLEGIA, AUTOSOMAL RECESSIVE, COMPLICATED, WITH THIN CORPUS CALLOSUM; SPASTIC PARAPLEGIA, AUTOSOMAL RECESSIVE, WITH MENTAL IMPAIRMENT AND THIN CORPUS CALLOSUM; Spastic Paraplegia 11; Nakamura Osame syndrome; Autosomal recessive hereditary spastic paraplegia, mental impairment, and thin corpus callosum; Spastic paraplegia, mental retardation and thin corpus callosum. Identifiers: Orphanet 2822, MedGen C1858479, MONDO:0011445, OMIM 604360.

gnomAD v4.1: 1 of 1,613,720 alleles (0.000062%); highest among the groups gnomAD compares: Admixed American, 0.0017%; no homozygotes.

Submission:

Labcorp Genetics (formerly Invitae), Labcorp
Classification: Uncertain significance for Hereditary spastic paraplegia 11. Last evaluated: 2020-12-12. Review status: criteria provided, single submitter. Criteria: Invitae Variant Classification Sherloc (09022015). Collection method: clinical testing. Allele origin: germline.
Comment: This sequence change replaces glutamine with histidine at codon 1379 of the SPG11 protein (p.Gln1379His). The glutamine residue is highly conserved and there is a small physicochemical difference between glutamine and histidine. This variant is not present in population databases (ExAC no frequency). This variant has not been reported in the literature in individuals with SPG11-related conditions. Algorithms developed to predict the effect of missense changes on protein structure and function are either unavailable or do not agree on the potential impact of this missense change (SIFT: "Deleterious"; PolyPhen-2: "Probably Damaging"; Align-GVGD: "Class C0"). In summary, the available evidence is currently insufficient to determine the role of this variant in disease. Therefore, it has been classified as a Variant of Uncertain Significance.

NM_025137.4(SPG11):c.4137A>T (p.Gln1379His)

Gene: SPG11 (SPG11 vesicle trafficking associated, spatacsin; minus strand). Cytogenetic location: 15q21.1.
Variant type: single nucleotide variant.
Coding change: c.4137A>T on transcript NM_025137.4 (MANE Select); coding-DNA position 4137, A replaced by T.
Protein change: p.Gln1379His; replaces glutamine 1379 with histidine.
Molecular consequence: missense variant.
Genome position (GRCh38, 1-based): chr15:44,596,808, T>A on the plus strand (A>T on the coding strand, the complement: SPG11 is on the minus strand). VCF-style: chr15-44596808-T-A. GRCh37 (hg19) VCF-style: chr15-44889006-T-A.
Other names: c.4137A>T, p.Gln1379His (NM_001160227.2); short protein forms Q1379H.
Identifiers: ClinVar variation 1355932 (VCV001355932.8), dbSNP rs748617459, ClinGen allele CA392228878.